The following is an entry in ClinVar:

ClinVar aggregate classification (germline): Uncertain significance. Review status: criteria provided, multiple submitters, no conflicts (2 of 4 stars). 2 submissions from 2 submitters: Uncertain significance (2). Last evaluated 2024-12-29.

Allele frequency attached by ClinVar (database versions not stated): gnomAD exomes 0.00006; ExAC 0.00007; gnomAD 0.00007; TOPMed 0.00008; 1000 Genomes Project 0.00020; 1000 Genomes Project 30x 0.00031.
gnomAD v4.1: 98 of 1,613,512 alleles (0.0061%); highest among the groups gnomAD compares: Middle Eastern, 0.017%; no homozygotes.

Submissions (2):

Labcorp Genetics (formerly Invitae), Labcorp
Classification: Uncertain significance. Last evaluated: 2024-12-29. Review status: criteria provided, single submitter. Criteria: Invitae Variant Classification Sherloc (09022015). Collection method: clinical testing. Allele origin: germline.
Comment: This sequence change replaces cysteine, which is neutral and slightly polar, with tyrosine, which is neutral and polar, at codon 1890 of the FBN3 protein (p.Cys1890Tyr). This variant is present in population databases (rs183344960, gnomAD 0.02%). This variant has not been reported in the literature in individuals affected with FBN3-related conditions. ClinVar contains an entry for this variant (Variation ID: 2718987). Invitae Evidence Modeling of protein sequence and biophysical properties (such as structural, functional, and spatial information, amino acid conservation, physicochemical variation, residue mobility, and thermodynamic stability) indicates that this missense variant is expected to disrupt FBN3 protein function with a positive predictive value of 80%. In summary, the available evidence is currently insufficient to determine the role of this variant in disease. Therefore, it has been classified as a Variant of Uncertain Significance.

Blueprint Genetics
Classification: Uncertain significance. Last evaluated: 2024-10-23. Review status: criteria provided, single submitter. Criteria: ACMG Guidelines, 2015. Collection method: clinical testing. Allele origin: germline.

NM_032447.5(FBN3):c.5669G>A (p.Cys1890Tyr)

Gene: FBN3 (fibrillin 3; minus strand). Cytogenetic location: 19p13.2.
Variant type: single nucleotide variant.
Coding change: c.5669G>A on transcript NM_032447.5 (MANE Select); coding-DNA position 5669, G replaced by A.
Protein change: p.Cys1890Tyr; replaces cysteine 1890 with tyrosine.
Molecular consequence: missense variant.
Genome position (GRCh38, 1-based): chr19:8,095,491, C>T on the plus strand (G>A on the coding strand, the complement: FBN3 is on the minus strand). VCF-style: chr19-8095491-C-T. GRCh37 (hg19) VCF-style: chr19-8160375-C-T.
Other names: c.5669G>A, p.Cys1890Tyr (NM_001321431.2); short protein forms C1890Y.
Identifiers: ClinVar variation 2718987 (VCV002718987.4), dbSNP rs183344960, ClinGen allele CA9151571.